The following is an entry in ClinVar:

NC_000021.8:g.(?_47518024)_47552476dup

Gene: COL6A2 (collagen type VI alpha 2 chain; plus strand).
Variant type: Duplication.
Identifiers: ClinVar variation 1010762 (VCV001010762.2).

ClinVar aggregate classification (germline): Uncertain significance (1 of 4 stars; one submission).

Conditions:
Bethlem myopathy 1A. Also called: Bethlem Muscular Dystrophy; MYOPATHY, BENIGN CONGENITAL, WITH CONTRACTURES; Bethlem myopathy 1. Identifiers: Orphanet 610, MedGen CN029274, MONDO:0024530, OMIM 158810.

Submission:

Labcorp Genetics (formerly Invitae), Labcorp
Classification: Uncertain significance for Bethlem myopathy 1A. Last evaluated: 2020-02-21. Review status: criteria provided, single submitter. Criteria: Invitae Variant Classification Sherloc (09022015). Collection method: clinical testing. Allele origin: germline.
Comment: This variant results in a copy number gain of the genomic region encompassing the full coding sequence of the COL6A2 gene. The boundaries of this event are unknown as they extend beyond the assayed region for this gene and therefore may encompass additional genes. As the precise location of this event is unknown, it may be in tandem or it may be located elsewhere in the genome. This variant has not been reported in the literature in individuals with COL6A2-related conditions. Experimental studies are not available for this variant, and the functional significance of a copy number gain of this gene is currently unknown. In summary, the available evidence is currently insufficient to determine the role of this variant in disease. Therefore, it has been classified as a Variant of Uncertain Significance.